The following is an entry in ClinVar:

NM_032638.5(GATA2):c.1407C>A (p.His469Gln)

Gene: GATA2 (GATA binding protein 2; minus strand). Cytogenetic location: 3q21.3.
Variant type: single nucleotide variant.
Coding change: c.1407C>A on transcript NM_032638.5 (MANE Select); coding-DNA position 1407, C replaced by A.
Protein change: p.His469Gln; replaces histidine 469 with glutamine.
Molecular consequence: missense variant.
Genome position (GRCh38, 1-based): chr3:128,481,055, G>T on the plus strand (C>A on the coding strand, the complement: GATA2 is on the minus strand). VCF-style: chr3-128481055-G-T. GRCh37 (hg19) VCF-style: chr3-128199898-G-T.
Other names: c.1407C>A, p.His469Gln (NM_001145661.2); c.1365C>A, p.His455Gln (NM_001145662.1); short protein forms H469Q, H455Q.
Identifiers: ClinVar variation 435280 (VCV000435280.13), dbSNP rs772050518, ClinGen allele CA354412489.

ClinVar aggregate classification (germline): Uncertain significance. Review status: criteria provided, multiple submitters, no conflicts (2 of 4 stars). 2 submissions from 2 submitters: Uncertain significance (2). Last evaluated 2021-02-05.

Conditions:
Deafness-lymphedema-leukemia syndrome. Also called: Emberger syndrome; Lymphedema, primary, with myelodysplasia. Identifiers: Orphanet 3226, MedGen C3279664, MONDO:0013540, OMIM 614038.
Monocytopenia with susceptibility to infections. Also called: MONOCYTOPENIA AND MYCOBACTERIAL INFECTION SYNDROME; MONOCYTOPENIA WITH SUSCEPTIBILITY TO MYCOBACTERIAL, FUNGAL, AND PAPILLOMAVIRUS INFECTIONS AND MYELODYSPLASIA; COMBINED IMMUNODEFICIENCY WITH SUSCEPTIBILITY TO MYCOBACTERIAL, VIRAL, AND FUNGAL INFECTIONS; Dendritic cell, monocyte, B lymphocyte, and natural killer lymphocyte deficiency; IMMUNODEFICIENCY 21; GATA2 DEFICIENCY. Identifiers: Orphanet 228423, MedGen C3280030, MONDO:0013607, OMIM 614172.

Submissions (2):

Labcorp Genetics (formerly Invitae), Labcorp
Classification: Uncertain significance for Monocytopenia with susceptibility to infections; Deafness-lymphedema-leukemia syndrome. Last evaluated: 2021-02-05. Review status: criteria provided, single submitter. Criteria: Invitae Variant Classification Sherloc (09022015). Collection method: clinical testing. Allele origin: germline.
Comment: This sequence change replaces histidine with glutamine at codon 469 of the GATA2 protein (p.His469Gln). The histidine residue is moderately conserved and there is a small physicochemical difference between histidine and glutamine. This variant is not present in population databases (ExAC no frequency). This variant has not been reported in the literature in individuals with GATA2-related conditions. ClinVar contains an entry for this variant (Variation ID: 435280). Algorithms developed to predict the effect of missense changes on protein structure and function are either unavailable or do not agree on the potential impact of this missense change (SIFT: "Tolerated"; PolyPhen-2: "Probably Damaging"; Align-GVGD: "Class C0"). In summary, the available evidence is currently insufficient to determine the role of this variant in disease. Therefore, it has been classified as a Variant of Uncertain Significance.

Genetic Services Laboratory, University of Chicago
Classification: Uncertain significance. Last evaluated: 2016-01-21. Review status: criteria provided, single submitter. Criteria: ACMG Guidelines, 2015. Collection method: clinical testing. Allele origin: germline. Affected: no.